The following is an entry in ClinVar:

ClinVar aggregate classification (germline): Uncertain significance (1 of 4 stars; one submission).

Conditions:
Hereditary cancer-predisposing syndrome. Also called: Tumor predisposition; Hereditary Cancer Syndrome; Neoplastic Syndromes, Hereditary; Hereditary neoplastic syndrome. Identifiers: Orphanet 140162, MedGen C0027672, MeSH D009386, MONDO:0015356.

Submission:

Ambry Genetics
Classification: Uncertain significance for Hereditary cancer-predisposing syndrome. Last evaluated: 2022-04-28. Review status: criteria provided, single submitter. Criteria: Ambry Variant Classification Scheme 2023. Collection method: clinical testing. Allele origin: germline.
Comment: The p.A925V variant (also known as c.2774C>T), located in coding exon 17 of the PTCH1 gene, results from a C to T substitution at nucleotide position 2774. The alanine at codon 925 is replaced by valine, an amino acid with similar properties. This amino acid position is conserved. In addition, this alteration is predicted to be deleterious by in silico analysis. Since supporting evidence is limited at this time, the clinical significance of this alteration remains unclear.

NM_000264.5(PTCH1):c.2774C>T (p.Ala925Val)

Gene: PTCH1 (patched 1; minus strand). Cytogenetic location: 9q22.32.
Variant type: single nucleotide variant.
Coding change: c.2774C>T on transcript NM_000264.5 (MANE Select); coding-DNA position 2774, C replaced by T.
Protein change: p.Ala925Val; replaces alanine 925 with valine.
Molecular consequence: missense variant. On other transcripts: non-coding transcript variant (1).
Genome position (GRCh38, 1-based): chr9:95,459,713, G>A on the plus strand (C>T on the coding strand, the complement: PTCH1 is on the minus strand). VCF-style: chr9-95459713-G-A. GRCh37 (hg19) VCF-style: chr9-98221995-G-A.
Other names: c.2576C>T, p.Ala859Val (NM_001083602.3); c.2771C>T, p.Ala924Val (NM_001083603.3); c.2321C>T, p.Ala774Val (NM_001083604.3, NM_001083605.3, NM_001083606.3 and 1 more transcripts); c.2618C>T, p.Ala873Val (NM_001354918.2); short protein forms A925V, A873V, A774V, A859V, A924V.
Identifiers: ClinVar variation 1795833 (VCV001795833.2), dbSNP rs2538079995, ClinGen allele CA374113109.
Genomic context (GRCh38, chr9:95,459,713, plus strand): 5'-CGGTGTGGCCGGATGTTGGCCTGGGAGGCAGCATACGCGACGGGGTCGTTGCTGACCCAA[G>A]CCGTCAGGTAGATGTAGAAAGCGCTGGGATTAATGATGCCATCTGCATCCACCAGACGCT-3'
Protein context (NP_000255.2, residues 915-935): NPSAFYIYLT[Ala925Val]WVSNDPVAYA